The following is an entry in ClinVar:

ClinVar aggregate classification (germline): Uncertain significance (1 of 4 stars; one submission).

Allele frequency attached by ClinVar (database versions not stated): gnomAD exomes below 0.00001; TOPMed below 0.00001; ExAC 0.00001.
gnomAD v4.1: 1 of 1,613,428 alleles (0.000062%); highest among the groups gnomAD compares: Non-Finnish European, 0.000085%; no homozygotes.

Submission:

Ambry Genetics
Classification: Uncertain significance. Last evaluated: 2024-10-19. Review status: criteria provided, single submitter. Criteria: Ambry Variant Classification Scheme 2023. Collection method: clinical testing. Allele origin: germline.
Comment: The p.K203E variant (also known as c.607A>G), located in coding exon 7 of the BUB1 gene, results from an A to G substitution at nucleotide position 607. The lysine at codon 203 is replaced by glutamic acid, an amino acid with similar properties. This amino acid position is conserved. In addition, this alteration is predicted to be tolerated by in silico analysis. Since supporting evidence is limited at this time, the clinical significance of this alteration remains unclear.

NM_004336.5(BUB1):c.607A>G (p.Lys203Glu)

Gene: BUB1 (BUB1 mitotic checkpoint serine/threonine kinase; minus strand). Cytogenetic location: 2q13.
Variant type: single nucleotide variant.
Coding change: c.607A>G on transcript NM_004336.5 (MANE Select); coding-DNA position 607, A replaced by G.
Protein change: p.Lys203Glu; replaces lysine 203 with glutamic acid.
Molecular consequence: missense variant.
Genome position (GRCh38, 1-based): chr2:110,667,810, T>C on the plus strand (A>G on the coding strand, the complement: BUB1 is on the minus strand). VCF-style: chr2-110667810-T-C. GRCh37 (hg19) VCF-style: chr2-111425387-T-C.
Other names: c.547A>G, p.Lys183Glu (NM_001278616.2); c.607A>G, p.Lys203Glu (NM_001278617.2); short protein forms K183E, K203E.
Identifiers: ClinVar variation 1751427 (VCV001751427.3), dbSNP rs748197678, ClinGen allele CA1828302.